The following is an entry in ClinVar:

ClinVar aggregate classification (germline): Conflicting classifications of pathogenicity. Review status: criteria provided, conflicting classifications (1 of 4 stars). 3 submissions from 3 submitters: Uncertain significance (1); Likely benign (2). Last evaluated 2025-12-09.

Conditions:
TINF2-related disorder. Also called: TINF2-related condition.
Dyskeratosis congenita. Identifiers: Orphanet 1775, MedGen C0265965, MONDO:0015780.

Allele frequency attached by ClinVar (database versions not stated): gnomAD below 0.00001 and 0.00004; TOPMed 0.00002; gnomAD exomes 0.00004 and 0.00008; ExAC 0.00011; 1000 Genomes Project 30x 0.00016.

Submissions (3):

PreventionGenetics, part of Exact Sciences
Classification: Likely benign for TINF2-related condition. Last evaluated: 2025-12-09. Review status: criteria provided, single submitter. Criteria: ACMG Guidelines, 2015. Collection method: clinical testing. Allele origin: germline.
Comment: This variant is classified as likely benign based on ACMG/AMP sequence variant interpretation guidelines (Richards et al. 2015 PMID: 25741868, with internal and published modifications).

GeneDx
Classification: Uncertain significance. Last evaluated: 2025-10-01. Review status: criteria provided, single submitter. Criteria: GeneDx Variant Classification Process June 2021. Collection method: clinical testing. Allele origin: germline. Affected: yes.
Comment: In silico analysis is inconclusive as to whether the variant alters gene splicing. In the absence of RNA/functional studies, the actual effect of this sequence change is unknown.; This variant is associated with the following publications: (PMID: 34301788)

Labcorp Genetics (formerly Invitae), Labcorp
Classification: Likely benign for Dyskeratosis congenita. Last evaluated: 2025-04-28. Review status: criteria provided, single submitter. Criteria: Invitae Variant Classification Sherloc (09022015). Collection method: clinical testing. Allele origin: germline.

NM_001099274.3(TINF2):c.400-5del

Gene: TINF2 (TERF1 interacting nuclear factor 2; minus strand). Cytogenetic location: 14q12.
Variant type: Deletion.
Coding change: c.400-5del on transcript NM_001099274.3 (MANE Select); 5 bases into the intron before coding-DNA position 400, one base deleted (T; older notation c.400-5delT).
Molecular consequence: intron variant.
Genome position (GRCh38, 1-based): chr14:24,241,316, A deleted on the plus strand (T on the coding strand, the reverse complement: TINF2 is on the minus strand). VCF-style (leftmost placement, unchanged base first): chr14-24241315-CA-C. GRCh37 (hg19) VCF-style: chr14-24710521-CA-C.
Other names: c.400-5del (NM_012461.3); c.295-5del (NM_001363668.2).
Identifiers: ClinVar variation 312954 (VCV000312954.11), dbSNP rs769170035, ClinGen allele CA7130660.